The following is an entry in ClinVar:

NM_006767.4(LZTR1):c.1354-2A>G

Gene: LZTR1 (leucine zipper like post translational regulator 1; plus strand). Cytogenetic location: 22q11.21.
Variant type: single nucleotide variant.
Coding change: c.1354-2A>G on transcript NM_006767.4 (MANE Select); the canonical splice acceptor site of the intron before coding-DNA position 1354, A replaced by G.
Molecular consequence: splice acceptor variant.
Genome position (GRCh38, 1-based): chr22:20,993,922, A>G. VCF-style: chr22-20993922-A-G. GRCh37 (hg19) VCF-style: chr22-21348211-A-G.
Identifiers: ClinVar variation 1770658 (VCV001770658.12), dbSNP rs772714594, ClinGen allele CA10118857.
Genomic context (GRCh38, chr22:20,993,922, plus strand): 5'-GGGTCTCTGTTCTCTGGGGCGAGGGTCCTGTGCCCTCTGCCAGTGCATCATTCTTTGTGC[A>G]GAAGGAGGAGTGCGTGCAGGGCCACGTAGCCATTGTCACAGCGCGGAGCCGCTGGCTTCG-3'

ClinVar aggregate classification (germline): Conflicting classifications of pathogenicity. Review status: criteria provided, conflicting classifications (1 of 4 stars). 4 submissions from 4 submitters: Likely pathogenic (2); Uncertain significance (2). Last evaluated 2025-12-03.

Conditions:
Cardiovascular phenotype. Identifiers: MedGen CN230736.
Hereditary cancer-predisposing syndrome. Also called: Hereditary Cancer Syndrome; Hereditary neoplastic syndrome; Neoplastic Syndromes, Hereditary; Tumor predisposition. Identifiers: Orphanet 140162, MedGen C0027672, MeSH D009386, MONDO:0015356.
LZTR1-related schwannomatosis. Also called: Schwannomatosis 2; Schwannomatosis-2, susceptibility to. Identifiers: Orphanet 93921, MedGen C3810283, MONDO:0014299, OMIM 615670.

Allele frequency attached by ClinVar (database versions not stated): ExAC 0.00001; gnomAD exomes 0.00001; TOPMed 0.00002; gnomAD 0.00005.
gnomAD v4.1: 18 of 1,611,360 alleles (0.0011%); highest among the groups gnomAD compares: African/African-American, 0.015%; no homozygotes.

Submissions (5):

Labcorp Genetics (formerly Invitae), Labcorp
Classification: Likely pathogenic. Last evaluated: 2025-12-03. Review status: criteria provided, single submitter. Criteria: Invitae Variant Classification Sherloc (09022015). Collection method: clinical testing. Allele origin: germline.
Comment: This sequence change affects an acceptor splice site in intron 12 of the LZTR1 gene. It is expected to disrupt RNA splicing. Variants that disrupt the donor or acceptor splice site typically lead to a loss of protein function (PMID: 16199547), and loss-of-function variants in LZTR1 are known to be pathogenic (PMID: 24362817, 25335493, 25480913, 25795793, 29469822, 30368668, 30442762, 30442766, 30481304, 30859559). This variant is present in population databases (rs772714594, gnomAD 0.008%). This variant has not been reported in the literature in individuals affected with LZTR1-related conditions. ClinVar contains an entry for this variant (Variation ID: 1770658). Algorithms developed to predict the effect of sequence changes on RNA splicing suggest that this variant may disrupt the consensus splice site. In summary, the currently available evidence indicates that the variant is pathogenic, but additional data are needed to prove that conclusively. Therefore, this variant has been classified as Likely Pathogenic.

Ambry Genetics
Classification: Uncertain significance for Cardiovascular phenotype; Hereditary cancer-predisposing syndrome. Last evaluated: 2025-03-08. Review status: criteria provided, single submitter. Criteria: Ambry Variant Classification Scheme 2023. Collection method: clinical testing. Allele origin: germline.
Comment: The c.1354-2A>G intronic variant results from an A to G substitution two nucleotides upstream from coding exon 13 in the LZTR1 gene. This nucleotide position is highly conserved in available vertebrate species. In silico splice site analysis predicts that this alteration will weaken the native splice acceptor site and may result in the creation or strengthening of a novel splice acceptor site. RNA studies have demonstrated that this alteration results in a transcript predicted to lead to a protein with an in-frame deletion of one amino acid; however, the exact functional impact of the deleted amino acid is unknown at this time (Ambry internal data). Since supporting evidence is limited at this time, the clinical significance of this alteration remains unclear.

Baylor Genetics
Classification: Uncertain significance for LZTR1-related schwannomatosis. Last evaluated: 2024-01-30. Review status: criteria provided, single submitter. Criteria: ACMG Guidelines, 2015. Collection method: clinical testing. Allele origin: unknown.

Revvity Omics, Revvity
Classification: Likely pathogenic. Last evaluated: 2022-08-12. Review status: criteria provided, single submitter. Criteria: ACMG Guidelines, 2015. Collection method: clinical testing. Allele origin: germline.

Dr. Peter K. Rogan Lab, Western University
No classification provided (evidence only). Condition: Thymoma. Review status: no classification provided. Collection method: in vitro. Allele origin: not applicable. Functional consequence: retained intron. Not counted in ClinVar's aggregate classification.

Literature cited by the submitters: PubMed 16199547 (cited by Labcorp Genetics (formerly Invitae), Labcorp); PubMed 24362817 (cited by Labcorp Genetics (formerly Invitae), Labcorp); PubMed 25335493 (cited by Labcorp Genetics (formerly Invitae), Labcorp); PubMed 25480913 (cited by Labcorp Genetics (formerly Invitae), Labcorp); PubMed 25795793 (cited by Labcorp Genetics (formerly Invitae), Labcorp); PubMed 29469822 (cited by Labcorp Genetics (formerly Invitae), Labcorp); PubMed 30368668 (cited by Labcorp Genetics (formerly Invitae), Labcorp); PubMed 30442762 (cited by Labcorp Genetics (formerly Invitae), Labcorp); PubMed 30442766 (cited by Labcorp Genetics (formerly Invitae), Labcorp); PubMed 30481304 (cited by Labcorp Genetics (formerly Invitae), Labcorp); PubMed 30859559 (cited by Labcorp Genetics (formerly Invitae), Labcorp).